The following is an entry in ClinVar:

ClinVar aggregate classification (germline): Pathogenic. Review status: reviewed by expert panel (3 of 4 stars). 2 submissions from 2 submitters: Pathogenic (1). 1 of the submissions does not count toward it. Last evaluated 2016-10-18.

Conditions:
Breast-ovarian cancer, familial, susceptibility to, 1 (BROVCA1). Also called: BRCA1 Hereditary Breast and Ovarian Cancer; OVARIAN CANCER, SUSCEPTIBILITY TO. Identifiers: Orphanet 145, MedGen C2676676, MONDO:0011450, OMIM 604370. Disease mechanism: loss of function.

Submissions (2):

Evidence-based Network for the Interpretation of Germline Mutant Alleles (ENIGMA)
Classification: Pathogenic for Breast-ovarian cancer, familial, susceptibility to, 1. Last evaluated: 2016-10-18. Review status: reviewed by expert panel. Criteria: ENIGMA BRCA1/2 Classification Criteria (2015). Collection method: curation. Allele origin: germline.
Comment: Variant allele predicted to encode a truncated non-functional protein.

Consortium of Investigators of Modifiers of BRCA1/2 (CIMBA), c/o University of Cambridge
Classification: Pathogenic for Breast-ovarian cancer, familial, susceptibility to, 1. Last evaluated: 2015-10-02. Review status: criteria provided, single submitter. Criteria: CIMBA Mutation Classification guidelines May 2016. Collection method: clinical testing. Allele origin: germline. Not counted in ClinVar's aggregate classification.

NM_007294.4(BRCA1):c.101_105del (p.Pro34fs)

Gene: BRCA1 (BRCA1 DNA repair associated; minus strand). Cytogenetic location: 17q21.31.
Variant type: Deletion.
Coding change: c.101_105del on transcript NM_007294.4 (MANE Select); coding-DNA positions 101 to 105, 5 bases deleted (CTGTC; older notation c.101_105delCTGTC).
Protein change: p.Pro34fs; shifts the reading frame from proline 34.
Molecular consequence: frameshift variant. On other transcripts: non-coding transcript variant (1), intron variant (1).
Genome position (GRCh38, 1-based): chr17:43,115,755-43,115,759, GACAG deleted on the plus strand (CTGTC on the coding strand, the reverse complement: BRCA1 is on the minus strand); deleting any 5 consecutive bases within chr17:43,115,755-43,115,760 gives the same sequence; the c. name uses the placement nearest the transcript's 3' end. VCF-style (leftmost placement, unchanged base first): chr17-43115754-AGACAG-A. GRCh37 (hg19) VCF-style: chr17-41267771-AGACAG-A.
Other names: 220_224del5; c.100_104delCCTGT, p.Pro34Leufs (NM_001407981.1, NM_001407982.1, NM_001407983.1 and 191 more transcripts); c.-42_-38delCCTGT (NM_001408410.1, NM_001408452.1, NM_001408453.1 and 47 more transcripts); c.-158_-154delCCTGT (NM_001408455.1, NM_001408456.1, NM_001408468.1 and 13 more transcripts); c.-162_-158delCCTGT (NM_001408465.1, NM_001407695.1); c.-89_-85delCCTGT (NM_001408478.1, NM_001408479.1, NM_001408480.1 and 52 more transcripts); c.-205_-201delCCTGT (NM_001408492.1, NM_001407889.1, NM_001407900.1); c.-204_-200delCCTGT (NM_001408510.1, NM_001408512.1, NM_001407960.1 and 1 more transcripts); and 4 more; short protein forms P34fs.
Identifiers: ClinVar variation 266129 (VCV000266129.6), dbSNP rs886039920, ClinGen allele CA10590037.